The following is an entry in ClinVar:

NM_005633.4(SOS1):c.1790G>T (p.Gly597Val)

Gene: SOS1 (SOS Ras/Rac guanine nucleotide exchange factor 1; minus strand). Cytogenetic location: 2p22.1.
Variant type: single nucleotide variant.
Coding change: c.1790G>T on transcript NM_005633.4 (MANE Select); coding-DNA position 1790, G replaced by T.
Protein change: p.Gly597Val; replaces glycine 597 with valine.
Molecular consequence: missense variant.
Genome position (GRCh38, 1-based): chr2:39,022,638, C>A on the plus strand (G>T on the coding strand, the complement: SOS1 is on the minus strand). VCF-style: chr2-39022638-C-A. GRCh37 (hg19) VCF-style: chr2-39249779-C-A.
Other names: c.1769G>T, p.Gly590Val (NM_001382394.1); c.1790G>T, p.Gly597Val (NM_001382395.1); c.1790G>T (NM_005633.3); short protein forms G597V, G590V.
Identifiers: ClinVar variation 1369301 (VCV001369301.7), dbSNP rs2124536324, ClinGen allele CA346365375.

ClinVar aggregate classification (germline): Uncertain significance. Review status: criteria provided, multiple submitters, no conflicts (2 of 4 stars). 2 submissions from 2 submitters: Uncertain significance (2). Last evaluated 2025-08-19.

Conditions:
Cardiovascular phenotype. Identifiers: MedGen CN230736.
RASopathy. Also called: Noonan spectrum disorder; rasopathies. Identifiers: Orphanet 536391, MedGen C5555857, MONDO:0021060.

Submissions (2):

Ambry Genetics
Classification: Uncertain significance for Cardiovascular phenotype. Last evaluated: 2025-08-19. Review status: criteria provided, single submitter. Criteria: Ambry Variant Classification Scheme 2023. Collection method: clinical testing. Allele origin: germline.

Labcorp Genetics (formerly Invitae), Labcorp
Classification: Uncertain significance for RASopathy. Last evaluated: 2023-10-18. Review status: criteria provided, single submitter. Criteria: Invitae Variant Classification Sherloc (09022015). Collection method: clinical testing. Allele origin: germline.
Comment: This sequence change replaces glycine, which is neutral and non-polar, with valine, which is neutral and non-polar, at codon 597 of the SOS1 protein (p.Gly597Val). This variant is not present in population databases (gnomAD no frequency). This variant has not been reported in the literature in individuals affected with SOS1-related conditions. ClinVar contains an entry for this variant (Variation ID: 1369301). Advanced modeling of protein sequence and biophysical properties (such as structural, functional, and spatial information, amino acid conservation, physicochemical variation, residue mobility, and thermodynamic stability) has been performed at Invitae for this missense variant, however the output from this modeling did not meet the statistical confidence thresholds required to predict the impact of this variant on SOS1 protein function. In summary, the available evidence is currently insufficient to determine the role of this variant in disease. Therefore, it has been classified as a Variant of Uncertain Significance.